The following is an entry in ClinVar:

ClinVar aggregate classification (germline): Benign/Likely benign. Review status: criteria provided, multiple submitters, no conflicts (2 of 4 stars). 4 submissions from 4 submitters: Benign (2); Likely benign (2). Last evaluated 2026-08-01.

Conditions:
Autosomal recessive nonsyndromic hearing loss 84A. Also called: DEAFNESS, AUTOSOMAL RECESSIVE 84A; DEAFNESS, AUTOSOMAL RECESSIVE 84A, WITH VESTIBULAR DYSFUNCTION. Identifiers: Orphanet 90636, MedGen C3150654, MONDO:0013249, OMIM 613391.
Hearing loss, autosomal dominant 73. Also called: DEAFNESS, AUTOSOMAL DOMINANT 73. Identifiers: MedGen C4540024, MONDO:0033260, OMIM 617663.

Allele frequency attached by ClinVar (database versions not stated): ESP Exome Variant Server 0.00263; 1000 Genomes Project 30x 0.00265; 1000 Genomes Project 0.00280; ExAC 0.00291; TOPMed 0.00354; gnomAD 0.00560 and 0.00640.
gnomAD v4.1: 7,800 of 1,550,912 alleles (0.5%); highest among the groups gnomAD compares: Non-Finnish European, 0.43%; 57 homozygotes.

Submissions (4):

CeGaT Center for Human Genetics Tuebingen
Classification: Likely benign. Last evaluated: 2026-08-01. Review status: criteria provided, single submitter. Criteria: CeGaT Center For Human Genetics Tuebingen Variant Classification Criteria Version 2. Collection method: clinical testing. Allele origin: germline. Affected: yes. Observed: 6 variant alleles.
Comment: PTPRQ: BP4, BP7, BS2

Fulgent Genetics
Classification: Benign for Autosomal recessive nonsyndromic hearing loss 84A; Hearing loss, autosomal dominant 73. Last evaluated: 2021-09-08. Review status: criteria provided, single submitter. Criteria: ACMG Guidelines, 2015. Collection method: clinical testing. Allele origin: unknown.

GeneDx
Classification: Benign. Last evaluated: 2018-05-04. Review status: criteria provided, single submitter. Criteria: GeneDx Variant Classification (06012015). Collection method: clinical testing. Allele origin: germline. Affected: yes.
Comment: This variant is considered likely benign or benign based on one or more of the following criteria: it is a conservative change, it occurs at a poorly conserved position in the protein, it is predicted to be benign by multiple in silico algorithms, and/or has population frequency not consistent with disease.

Breakthrough Genomics
Classification: Likely benign. Review status: criteria provided, single submitter. Criteria: ACMG Guidelines, 2015. Collection method: not provided. Allele origin: germline. Inheritance: Autosomal recessive inheritance. Affected: yes.

NM_001145026.2(PTPRQ):c.1233G>A (p.Thr411=)

Gene: PTPRQ (protein tyrosine phosphatase receptor type Q; plus strand). Cytogenetic location: 12q21.31.
Variant type: single nucleotide variant.
Coding change: c.1233G>A on transcript NM_001145026.2 (MANE Select); coding-DNA position 1233, G replaced by A.
Protein change: p.Thr411=; no amino-acid change (threonine 411 retained).
Molecular consequence: synonymous variant.
Genome position (GRCh38, 1-based): chr12:80,484,479, G>A. VCF-style: chr12-80484479-G-A. GRCh37 (hg19) VCF-style: chr12-80878258-G-A.
Identifiers: ClinVar variation 678764 (VCV000678764.43), dbSNP rs185755490, ClinGen allele CA6702404.